The following is an entry in ClinVar:

NM_205836.3(FBXO38):c.2540G>C (p.Arg847Thr)

Gene: FBXO38 (F-box protein 38; plus strand). Cytogenetic location: 5q32.
Variant type: single nucleotide variant.
Coding change: c.2540G>C on transcript NM_205836.3 (MANE Select); coding-DNA position 2540, G replaced by C.
Protein change: p.Arg847Thr; replaces arginine 847 with threonine.
Molecular consequence: missense variant. On other transcripts: intron variant (2).
Genome position (GRCh38, 1-based): chr5:148,427,834, G>C. VCF-style: chr5-148427834-G-C. GRCh37 (hg19) VCF-style: chr5-147807397-G-C.
Other names: c.2540G>C (NM_205836.2); c.2428+112G>C (NM_030793.5); c.1918+2133G>C (NM_001271723.2); short protein forms R847T.
Identifiers: ClinVar variation 1792818 (VCV001792818.3), dbSNP rs200535006, ClinGen allele CA3497534.

ClinVar aggregate classification (germline): Likely benign. Review status: criteria provided, multiple submitters, no conflicts (2 of 4 stars). 2 submissions from 2 submitters: Likely benign (2). Last evaluated 2025-11-18.

Conditions:
FBXO38-related disorder. Also called: FBXO38-related condition.

Allele frequency attached by ClinVar (database versions not stated): 1000 Genomes Project 0.00020; 1000 Genomes Project 30x 0.00031.
gnomAD v4.1: 24 of 1,602,910 alleles (0.0015%); highest among the groups gnomAD compares: East Asian, 0.011%; no homozygotes.

Submissions (2):

PreventionGenetics, part of Exact Sciences
Classification: Likely benign for FBXO38-related condition. Last evaluated: 2025-11-18. Review status: criteria provided, single submitter. Criteria: ACMG Guidelines, 2015. Collection method: clinical testing. Allele origin: germline.
Comment: This variant is classified as likely benign based on ACMG/AMP sequence variant interpretation guidelines (Richards et al. 2015 PMID: 25741868, with internal and published modifications).

Ambry Genetics
Classification: Likely benign. Last evaluated: 2022-02-23. Review status: criteria provided, single submitter. Criteria: Ambry Variant Classification Scheme 2023. Collection method: clinical testing. Allele origin: germline.